The following is an entry in ClinVar:

ClinVar aggregate classification (germline): Likely benign (1 of 4 stars; one submission).

Allele frequency attached by ClinVar (database versions not stated): gnomAD 0.00001; gnomAD exomes 0.00001; TOPMed 0.00002.
gnomAD v4.1: 16 of 1,498,664 alleles (0.0011%); highest among the groups gnomAD compares: African/African-American, 0.0014%; no homozygotes.

Submission:

GeneDx
Classification: Likely benign. Last evaluated: 2017-08-24. Review status: criteria provided, single submitter. Criteria: GeneDx Variant Classification (06012015). Collection method: clinical testing. Allele origin: germline. Affected: yes.
Comment: This variant is considered likely benign or benign based on one or more of the following criteria: it is a conservative change, it occurs at a poorly conserved position in the protein, it is predicted to be benign by multiple in silico algorithms, and/or has population frequency not consistent with disease.

NM_001267550.2(TTN):c.31595-18G>A

Gene: TTN (titin; minus strand). Cytogenetic location: 2q31.2.
Variant type: single nucleotide variant.
Coding change: c.31595-18G>A on transcript NM_001267550.2 (MANE Select); 18 bases into the intron before coding-DNA position 31595, G replaced by A.
Molecular consequence: intron variant.
Genome position (GRCh38, 1-based): chr2:178,692,598, C>T on the plus strand (G>A on the coding strand, the complement: TTN is on the minus strand). VCF-style: chr2-178692598-C-T. GRCh37 (hg19) VCF-style: chr2-179557325-C-T.
Other names: c.13282+45484G>A (NM_003319.4); c.13858+45484G>A (NM_133437.4); c.13657+45484G>A (NM_133432.3); c.27863-18G>A (NM_133378.4); c.30644-18G>A (NM_001256850.1).
Identifiers: ClinVar variation 511787 (VCV000511787.1), dbSNP rs1477509887, ClinGen allele CA538096732.